The following is an entry in ClinVar:

NM_015450.3(POT1):c.452T>C (p.Leu151Pro)

Gene: POT1 (protection of telomeres 1; minus strand). Cytogenetic location: 7q31.33.
Variant type: single nucleotide variant.
Coding change: c.452T>C on transcript NM_015450.3 (MANE Select); coding-DNA position 452, T replaced by C.
Protein change: p.Leu151Pro; replaces leucine 151 with proline.
Molecular consequence: missense variant. On other transcripts: non-coding transcript variant (3).
Genome position (GRCh38, 1-based): chr7:124,863,444, A>G on the plus strand (T>C on the coding strand, the complement: POT1 is on the minus strand). VCF-style: chr7-124863444-A-G. GRCh37 (hg19) VCF-style: chr7-124503498-A-G.
Other names: c.59T>C, p.Leu20Pro (NM_001042594.2); short protein forms L20P, L151P.
Identifiers: ClinVar variation 3423105 (VCV003423105.1).

ClinVar aggregate classification (germline): Uncertain significance (1 of 4 stars; one submission).

Conditions:
Hereditary cancer-predisposing syndrome. Also called: Neoplastic Syndromes, Hereditary; Tumor predisposition; Hereditary Cancer Syndrome; Hereditary neoplastic syndrome. Identifiers: Orphanet 140162, MedGen C0027672, MeSH D009386, MONDO:0015356.

Submission:

Ambry Genetics
Classification: Uncertain significance for Hereditary cancer-predisposing syndrome. Last evaluated: 2024-07-18. Review status: criteria provided, single submitter. Criteria: Ambry Variant Classification Scheme 2023. Collection method: clinical testing. Allele origin: germline.
Comment: The p.L151P variant (also known as c.452T>C), located in coding exon 4 of the POT1 gene, results from a T to C substitution at nucleotide position 452. The leucine at codon 151 is replaced by proline, an amino acid with similar properties. This amino acid position is conserved. In addition, this alteration is predicted to be tolerated by in silico analysis. Based on the available evidence, the clinical significance of this variant remains unclear.